The following is an entry in ClinVar:

NM_032634.4(PIGO):c.3118G>T (p.Val1040Phe)

Gene: PIGO (phosphatidylinositol glycan anchor biosynthesis class O; minus strand). Cytogenetic location: 9p13.3.
Variant type: single nucleotide variant.
Coding change: c.3118G>T on transcript NM_032634.4 (MANE Select); coding-DNA position 3118, G replaced by T.
Protein change: p.Val1040Phe; replaces valine 1040 with phenylalanine.
Molecular consequence: missense variant.
Genome position (GRCh38, 1-based): chr9:35,089,402, C>A on the plus strand (G>T on the coding strand, the complement: PIGO is on the minus strand). VCF-style: chr9-35089402-C-A. GRCh37 (hg19) VCF-style: chr9-35089399-C-A.
Other names: c.1867G>T, p.Val623Phe (NM_001201484.2, NM_152850.4); short protein forms V623F, V1040F.
Identifiers: ClinVar variation 2012615 (VCV002012615.4), dbSNP rs149439295, ClinGen allele CA373317305.

ClinVar aggregate classification (germline): Uncertain significance (1 of 4 stars; one submission).

Conditions:
Hyperphosphatasia with impaired intellectual development syndrome 2. Also called: GLYCOSYLPHOSPHATIDYLINOSITOL BIOSYNTHESIS DEFECT 6; Hyperphosphatasia with intellectual disability syndrome 2. Identifiers: Orphanet 247262, MedGen C3553637, MONDO:0013882, OMIM 614749.

Submission:

Labcorp Genetics (formerly Invitae), Labcorp
Classification: Uncertain significance for Hyperphosphatasia with impaired intellectual development syndrome 2. Last evaluated: 2022-07-01. Review status: criteria provided, single submitter. Criteria: Invitae Variant Classification Sherloc (09022015). Collection method: clinical testing. Allele origin: germline.
Comment: In summary, the available evidence is currently insufficient to determine the role of this variant in disease. Therefore, it has been classified as a Variant of Uncertain Significance. Algorithms developed to predict the effect of missense changes on protein structure and function (SIFT, PolyPhen-2, Align-GVGD) all suggest that this variant is likely to be disruptive. This variant has not been reported in the literature in individuals affected with PIGO-related conditions. This variant is not present in population databases (gnomAD no frequency). This sequence change replaces valine, which is neutral and non-polar, with phenylalanine, which is neutral and non-polar, at codon 1040 of the PIGO protein (p.Val1040Phe).